The following is an entry in ClinVar:

ClinVar aggregate classification (germline): Benign. Review status: criteria provided, multiple submitters, no conflicts (2 of 4 stars). 5 submissions from 5 submitters: Benign (5). Last evaluated 2026-01-28.

Conditions:
Congenital bile acid synthesis defect 2 (CBAS2). Also called: CHOLESTASIS WITH DELTA(4)-3-OXOSTEROID 5-BETA-REDUCTASE DEFICIENCY. Identifiers: Orphanet 79303, MedGen C1856127, MONDO:0009339, OMIM 235555.

Allele frequency attached by ClinVar (database versions not stated): gnomAD exomes 0.00357 and 0.00134; ExAC 0.00461; gnomAD 0.01403 and 0.01506; TOPMed 0.01520; ESP Exome Variant Server 0.01615; 1000 Genomes Project 0.01857; 1000 Genomes Project 30x 0.02014.
gnomAD v4.1: 4,161 of 1,614,066 alleles (0.26%); highest among the groups gnomAD compares: African/African-American, 4.9%; 100 homozygotes.

Submissions (5):

Labcorp Genetics (formerly Invitae), Labcorp
Classification: Benign. Last evaluated: 2026-01-28. Review status: criteria provided, single submitter. Criteria: Invitae Variant Classification Sherloc (09022015). Collection method: clinical testing. Allele origin: germline.

Mayo Clinic Laboratories, Mayo Clinic
Classification: Benign. Last evaluated: 2022-05-17. Review status: criteria provided, single submitter. Criteria: ACMG Guidelines, 2015. Collection method: clinical testing. Allele origin: germline. Observed: 10 variant alleles.
Comment: BA1, BP4, BP7

Illumina Laboratory Services, Illumina
Classification: Benign for Congenital bile acid synthesis defect 2. Last evaluated: 2018-01-12. Review status: criteria provided, single submitter. Criteria: ICSL Variant Classification Criteria 13 December 2019. Collection method: clinical testing. Allele origin: germline.
Comment: This variant was observed in the ICSL laboratory as part of a predisposition screen in an ostensibly healthy population. It had not been previously curated by ICSL or reported in the Human Gene Mutation Database (HGMD: prior to June 1st, 2018), and was therefore a candidate for classification through an automated scoring system. Utilizing variant allele frequency, disease prevalence and penetrance estimates, and inheritance mode, an automated score was calculated to assess if this variant is too frequent to cause the disease. Based on the score and internal cut-off values, a variant classified as benign is not then subjected to further curation. The score for this variant resulted in a classification of benign for this disease.

Breakthrough Genomics
Classification: Benign. Review status: criteria provided, single submitter. Criteria: ACMG Guidelines, 2015. Collection method: not provided. Allele origin: germline. Inheritance: Autosomal recessive inheritance. Affected: yes.

PreventionGenetics, part of Exact Sciences
Classification: Benign. Review status: criteria provided, single submitter. Criteria: ACMG Guidelines, 2015. Collection method: clinical testing. Allele origin: germline.

NM_005989.4(AKR1D1):c.477C>T (p.Asp159=)

Gene: AKR1D1 (aldo-keto reductase family 1 member D1; plus strand). Cytogenetic location: 7q33.
Variant type: single nucleotide variant.
Coding change: c.477C>T on transcript NM_005989.4 (MANE Select); coding-DNA position 477, C replaced by T.
Protein change: p.Asp159=; no amino-acid change (aspartic acid 159 retained).
Molecular consequence: synonymous variant. On other transcripts: intron variant (1).
Genome position (GRCh38, 1-based): chr7:138,105,327, C>T. VCF-style: chr7-138105327-C-T. GRCh37 (hg19) VCF-style: chr7-137790073-C-T.
Other names: p.Asp159=; c.477C>T, p.Asp159= (NM_001190907.2); c.457-1281C>T (NM_001190906.2).
Identifiers: ClinVar variation 259892 (VCV000259892.16), dbSNP rs34703687, ClinGen allele CA4502707.